The following is an entry in ClinVar:

ClinVar aggregate classification (germline): Uncertain significance. Review status: criteria provided, multiple submitters, no conflicts (2 of 4 stars). 2 submissions from 2 submitters: Uncertain significance (2). Last evaluated 2025-03-27.

Conditions:
Pitt-Hopkins-like syndrome 2 (PTHSL2). Identifiers: Orphanet 221150, Orphanet 600663, MedGen C3280479, MONDO:0013690, OMIM 614325.
Inborn genetic diseases. Identifiers: MedGen C0950123, MeSH D030342.

Allele frequency attached by ClinVar (database versions not stated): gnomAD exomes below 0.00001; gnomAD 0.00001; TOPMed 0.00001.
gnomAD v4.1: 4 of 1,586,920 alleles (0.00025%); highest among the groups gnomAD compares: Non-Finnish European, 0.00034%; no homozygotes.

Submissions (2):

Labcorp Genetics (formerly Invitae), Labcorp
Classification: Uncertain significance for Pitt-Hopkins-like syndrome 2. Last evaluated: 2025-03-27. Review status: criteria provided, single submitter. Criteria: Invitae Variant Classification Sherloc (09022015). Collection method: clinical testing. Allele origin: germline.
Comment: This sequence change replaces glutamic acid, which is acidic and polar, with lysine, which is basic and polar, at codon 222 of the NRXN1 protein (p.Glu222Lys). This variant is not present in population databases (gnomAD no frequency). This variant has not been reported in the literature in individuals affected with NRXN1-related conditions. ClinVar contains an entry for this variant (Variation ID: 653084). An algorithm developed to predict the effect of missense changes on protein structure and function (PolyPhen-2) suggests that this variant is likely to be tolerated. In summary, the available evidence is currently insufficient to determine the role of this variant in disease. Therefore, it has been classified as a Variant of Uncertain Significance.

Ambry Genetics
Classification: Uncertain significance for Inborn genetic diseases. Last evaluated: 2024-10-22. Review status: criteria provided, single submitter. Criteria: Ambry Variant Classification Scheme 2023. Collection method: clinical testing. Allele origin: germline.

NM_001330078.2(NRXN1):c.664G>A (p.Glu222Lys)

Gene: NRXN1 (neurexin 1; minus strand). Cytogenetic location: 2p16.3.
Variant type: single nucleotide variant.
Coding change: c.664G>A on transcript NM_001330078.2 (MANE Select); coding-DNA position 664, G replaced by A.
Protein change: p.Glu222Lys; replaces glutamic acid 222 with lysine.
Molecular consequence: missense variant.
Genome position (GRCh38, 1-based): chr2:51,027,610, C>T on the plus strand (G>A on the coding strand, the complement: NRXN1 is on the minus strand). VCF-style: chr2-51027610-C-T. GRCh37 (hg19) VCF-style: chr2-51254748-C-T.
Other names: c.664G>A, p.Glu222Lys (NM_001135659.3, NM_001330077.2, NM_001330079.2 and 15 more transcripts); short protein forms E222K.
Identifiers: ClinVar variation 653084 (VCV000653084.7), dbSNP rs1575276127, ClinGen allele CA346823541.